The following is an entry in ClinVar:

ClinVar aggregate classification (germline): Pathogenic/Likely pathogenic. Review status: criteria provided, multiple submitters, no conflicts (2 of 4 stars). 2 submissions from 2 submitters: Pathogenic (1); Likely pathogenic (1). Last evaluated 2024-09-16.

Conditions:
Familial cancer of breast. Also called: Hereditary breast cancer; BREAST CANCER, FAMILIAL; hereditary breast carcinoma. Identifiers: Orphanet 227535, MedGen C0346153, MONDO:0016419, OMIM 114480. Disease mechanism: loss of function.
Ataxia-telangiectasia syndrome (AT). Also called: Ataxia-telangiectasia, complementation group E; Ataxia telangiectasia (A-T); LOUIS-BAR SYNDROME; Cerebello-oculocutaneous telangiectasia; Immunodeficiency with ataxia telangiectasia; Ataxia-telangiectasia, complementation group D. Identifiers: Orphanet 100, MedGen C0004135, MONDO:0008840, OMIM 208900.

Submissions (2):

Natera, Inc.
Classification: Pathogenic for Ataxia-telangiectasia. Last evaluated: 2024-09-16. Review status: criteria provided, single submitter. Criteria: Natera Variant Classification Schema (03/2026). Collection method: clinical testing. Allele origin: germline.
Comment: The c.6807+2_6807+14del variant in ATM is a canonical splice donor site variant predicted to affect pre-mRNA splicing, which may result in an abnormal transcript and altered protein product. This variant is expected to result in nonsense mediated decay, truncation, or a dysfunctional protein product. This variant is rare in the general population with a frequency below the threshold expected for the associated phenotype(s). Another variant at this same site results in an alteration predicted to cause a similar molecular effect has been observed in individual(s) with the associated phenotype. Given the available evidence, this variant is classified as Pathogenic.

Myriad Genetics, Inc.
Classification: Likely pathogenic for Familial cancer of breast. Last evaluated: 2022-12-29. Review status: criteria provided, single submitter. Criteria: Myriad Autosomal Dominant, Autosomal Recessive and X-Linked Classification Criteria (2023). Collection method: clinical testing. Allele origin: unknown.
Comment: This variant is considered likely pathogenic. This variant occurs within a consensus splice junction and is predicted to result in abnormal mRNA splicing of either an out-of-frame exon or an in-frame exon necessary for protein stability and/or normal function.

NM_000051.4(ATM):c.6807+2_6807+14del

Genes: ATM (ATM serine/threonine kinase; plus strand), C11orf65 (chromosome 11 open reading frame 65; minus strand). Cytogenetic location: 11q22.3.
Variant type: Deletion.
Coding change: c.6807+2_6807+14del on transcript NM_000051.4 (MANE Select); the canonical splice donor site of the intron after coding-DNA position 6807 through 14 bases into the intron after coding-DNA position 6807, 13 bases deleted (TAAATACAATTTA).
Molecular consequence: splice donor variant. On other transcripts: intron variant (2).
Genome position (GRCh38, 1-based): chr11:108,325,546-108,325,558, TAAATACAATTTA deleted. VCF-style (leftmost placement, unchanged base first): chr11-108325545-GTAAATACAATTTA-G. GRCh37 (hg19) VCF-style: chr11-108196272-GTAAATACAATTTA-G.
Other names: c.6807+2_6807+14del (NM_001351834.2); c.641-16487_641-16475del (NM_001330368.2); c.*38+9662_*38+9674del (NM_001351110.2).
Identifiers: ClinVar variation 2431289 (VCV002431289.1), dbSNP rs2547207668, ClinGen allele CA2580083088.